The following is an entry in ClinVar:

ClinVar aggregate classification (germline): Uncertain significance (1 of 4 stars; one submission).

Submission:

Labcorp Genetics (formerly Invitae), Labcorp
Classification: Uncertain significance. Last evaluated: 2025-11-11. Review status: criteria provided, single submitter. Criteria: Invitae Variant Classification Sherloc (09022015). Collection method: clinical testing. Allele origin: germline.
Comment: This sequence change replaces arginine, which is basic and polar, with serine, which is neutral and polar, at codon 1346 of the POLE protein (p.Arg1346Ser). This variant is not present in population databases (gnomAD no frequency). This variant has not been reported in the literature in individuals affected with POLE-related conditions. ClinVar contains an entry for this variant (Variation ID: 3665848). Invitae Evidence Modeling of protein sequence and biophysical properties (such as structural, functional, and spatial information, amino acid conservation, physicochemical variation, residue mobility, and thermodynamic stability) indicates that this missense variant is not expected to disrupt POLE protein function with a negative predictive value of 80%. In summary, the available evidence is currently insufficient to determine the role of this variant in disease. Therefore, it has been classified as a Variant of Uncertain Significance.

NM_006231.4(POLE):c.4038G>C (p.Arg1346Ser)

Gene: POLE (DNA polymerase epsilon, catalytic subunit; minus strand). Cytogenetic location: 12q24.33.
Variant type: single nucleotide variant.
Coding change: c.4038G>C on transcript NM_006231.4 (MANE Select); coding-DNA position 4038, G replaced by C.
Protein change: p.Arg1346Ser; replaces arginine 1346 with serine.
Molecular consequence: missense variant.
Genome position (GRCh38, 1-based): chr12:132,649,040, C>G on the plus strand (G>C on the coding strand, the complement: POLE is on the minus strand). VCF-style: chr12-132649040-C-G. GRCh37 (hg19) VCF-style: chr12-133225626-C-G.
Other names: short protein forms R1346S.
Identifiers: ClinVar variation 3665848 (VCV003665848.2).
Genomic context (GRCh38, chr12:132,649,040, plus strand): 5'-GAACACACGGGGGATGCTCAGCCTGATGCAGTGCAAGTCACTGCCAACGAGCGCCCACAG[C>G]CTGAACAGGCCGGCCTGGCTGGTCTCGCTGATCTGAAAGGCCACACGGACATACAGCACA-3'
Protein context (NP_006222.2, residues 1336-1356): ISETSQAGLF[Arg1346Ser]LWALVGSDLH